The following is an entry in ClinVar:

ClinVar aggregate classification (germline): Uncertain significance. Review status: criteria provided, multiple submitters, no conflicts (2 of 4 stars). 7 submissions from 7 submitters: Uncertain significance (7). Last evaluated 2026-01-15.

Conditions:
MYH11-related disorder. Also called: MYH11-related condition.
Aortic aneurysm, familial thoracic 4 (AAT4). Also called: AORTIC ANEURYSM/AORTIC DISSECTION AND PATENT DUCTUS ARTERIOSUS. Identifiers: MedGen C1851504, MONDO:0007568, OMIM 132900.
Familial thoracic aortic aneurysm and aortic dissection (TAAD). Also called: Thoracic aortic aneurysms and dissections. Identifiers: Orphanet 91387, MedGen C4707243, MONDO:0019625.

Allele frequency attached by ClinVar (database versions not stated): gnomAD 0.00003; TOPMed 0.00003; ESP Exome Variant Server 0.00008; ExAC 0.00002; gnomAD exomes 0.00002.
gnomAD v4.1: 67 of 1,613,692 alleles (0.0042%); highest among the groups gnomAD compares: Non-Finnish European, 0.0048%; no homozygotes.

Submissions (7):

Labcorp Genetics (formerly Invitae), Labcorp
Classification: Uncertain significance for Aortic aneurysm, familial thoracic 4. Last evaluated: 2026-01-15. Review status: criteria provided, single submitter. Criteria: Invitae Variant Classification Sherloc (09022015). Collection method: clinical testing. Allele origin: germline.
Comment: This sequence change replaces threonine, which is neutral and polar, with methionine, which is neutral and non-polar, at codon 1019 of the MYH11 protein (p.Thr1019Met). This variant is present in population databases (rs373881911, gnomAD 0.007%). This variant has not been reported in the literature in individuals affected with MYH11-related conditions. ClinVar contains an entry for this variant (Variation ID: 654463). Invitae Evidence Modeling of protein sequence and biophysical properties (such as structural, functional, and spatial information, amino acid conservation, physicochemical variation, residue mobility, and thermodynamic stability) indicates that this missense variant is not expected to disrupt MYH11 protein function with a negative predictive value of 95%. In summary, the available evidence is currently insufficient to determine the role of this variant in disease. Therefore, it has been classified as a Variant of Uncertain Significance.

GeneDx
Classification: Uncertain significance. Last evaluated: 2025-10-09. Review status: criteria provided, single submitter. Criteria: GeneDx Variant Classification Process June 2021. Collection method: clinical testing. Allele origin: germline. Affected: yes.
Comment: Has not been previously published as pathogenic or benign to our knowledge; In silico analysis supports that this missense variant has a deleterious effect on protein structure/function

PreventionGenetics, part of Exact Sciences
Classification: Uncertain significance for MYH11-related condition. Last evaluated: 2025-04-29. Review status: criteria provided, single submitter. Criteria: ACMG Guidelines, 2015. Collection method: clinical testing. Allele origin: germline.
Comment: The MYH11 c.3056C>T variant is predicted to result in the amino acid substitution p.Thr1019Met. To our knowledge, this variant has not been reported in the literature. This variant is reported in 0.0065% of alleles in individuals of South Asian descent in gnomAD. At this time, the clinical significance of this variant is uncertain due to the absence of conclusive functional and genetic evidence.

All of Us Research Program, National Institutes of Health
Classification: Uncertain significance for Familial thoracic aortic aneurysm and aortic dissection. Last evaluated: 2024-05-14. Review status: criteria provided, single submitter. Criteria: ACMG Guidelines, 2015. Collection method: clinical testing. Allele origin: germline. Inheritance: Autosomal dominant inheritance. Observed: 6 variant alleles, 6 heterozygotes.
Comment: This missense variant replaces threonine with methionine at codon 1019 of the MYH11 protein. Computational prediction suggests that this variant may not impact protein structure and function (internally defined REVEL score threshold <= 0.5, PMID: 27666373). To our knowledge, functional studies have not been reported for this variant. This variant has not been reported in individuals affected with cardiovascular disorders in the literature. This variant has been identified in 6/251418 chromosomes in the general population by the Genome Aggregation Database (gnomAD). The available evidence is insufficient to determine the role of this variant in disease conclusively. Therefore, this variant is classified as a Variant of Uncertain Significance.

This study involves interpretation of variants in research participants for the purpose of population health screening. Participant phenotype was not available at the time of variant classification. Additional details can be found in publication PMID: 35346344, PMCID: PMC8962531

Color Diagnostics, LLC DBA Color Health
Classification: Uncertain significance for Familial thoracic aortic aneurysm and aortic dissection. Last evaluated: 2024-03-06. Review status: criteria provided, single submitter. Criteria: ACMG Guidelines, 2015. Collection method: clinical testing. Allele origin: germline.
Comment: This missense variant replaces threonine with methionine at codon 1019 of the MYH11 protein. Computational prediction suggests that this variant may not impact protein structure and function (internally defined REVEL score threshold <= 0.5, PMID: 27666373). To our knowledge, functional studies have not been reported for this variant. This variant has not been reported in individuals affected with MYH11-related disorders in the literature. This variant has been identified in 6/251418 chromosomes in the general population by the Genome Aggregation Database (gnomAD). The available evidence is insufficient to determine the role of this variant in disease conclusively. Therefore, this variant is classified as a Variant of Uncertain Significance.

Ambry Genetics
Classification: Uncertain significance for Familial thoracic aortic aneurysm and aortic dissection. Last evaluated: 2023-10-20. Review status: criteria provided, single submitter. Criteria: Ambry Variant Classification Scheme 2023. Collection method: clinical testing. Allele origin: germline.
Comment: The p.T1012M variant (also known as c.3035C>T), located in coding exon 23 of the MYH11 gene, results from a C to T substitution at nucleotide position 3035. The threonine at codon 1012 is replaced by methionine, an amino acid with similar properties. This amino acid position is conserved. In addition, the in silico prediction for this alteration is inconclusive. Since supporting evidence is limited at this time, the clinical significance of this alteration remains unclear.

Victorian Clinical Genetics Services, Murdoch Childrens Research Institute
Classification: Uncertain significance for Aortic aneurysm, familial thoracic 4. Last evaluated: 2023-07-16. Review status: criteria provided, single submitter. Criteria: ACMG Guidelines, 2015. Collection method: clinical testing. Allele origin: germline. Inheritance: Autosomal dominant inheritance. Affected: yes.
Comment: Based on the classification scheme VCGS_Germline_v1.3.4, this variant is classified as VUS-3B. Following criteria are met: 0102 - Loss of function is a known mechanism of disease in this gene and is associated with megacystis-microcolon-intestinal hypoperistalsis syndrome 2 (MMIHS; MIM#619351). The disease mechanism for chronic intestinal pseudo-obstruction (CIPO), also known as visceral myopathy 2 (MIM#619350), and aortic aneurysm, familial thoracic 4 (AAFT; MIM#132900) is unclear, however loss of function and dominant negative have been suggested, respectively (PMID: 31944481). (I) 0108 - This gene is associated with both recessive and dominant disease. MMIHS is an autosomal recessive form of disease caused by both missense variants and those resulting in a premature termination codon. AAFT is autosomal dominant and has been reported in patients with splice, missense and inframe deletion variants. CIPO is autosomal dominant and has only been reported in patients with protein elongation variants exclusive to isoform SM2 (PMIDs: 31389005, 31944481). (I) 0112 - The aortic aneurysm associated with this gene has incomplete penetrance (PMIDs: 17666408, 22968129). (I) 0200 - Variant is predicted to result in a missense amino acid change from threonine to methionine. (I) 0251 - This variant is heterozygous. (I) 0304 - Variant is present in gnomAD <0.01 (v2 & v3: 11 heterozygotes, 0 homozygotes). (SP) 0502 - Missense variant with conflicting in silico predictions and high conservation. (I) 0600 - Variant is located in the annotated myosin tail 1 domain (DECIPHER). (I) 0710 - Another missense variant comparable to the one identified in this case has inconclusive previous evidence for pathogenicity. p.(Thr1012Lys) has been reported as a VUS by a clinical testing laboratory (ClinVar). (I) 0809 - Previous evidence of pathogenicity for this variant is inconclusive. This variant has been reported as a VUS by two clinical testing laboratories in seven unrelated individuals, including one with aneurysm and familial hypercholesterolaemia, and one with marfanoid habitus (ClinVar, personal communication). (I) 0905 - No published segregation evidence has been identified for this variant. (I) 1007 - No published functional evidence has been identified for this variant. (I) 1208 - Inheritance information for this variant is not currently available in this individual. (I) Legend: (SP) - Supporting pathogenic, (I) - Information, (SB) - Supporting benign

Literature cited by the submitters: PubMed 17666408 (cited by Victorian Clinical Genetics Services, Murdoch Childrens Research Institute); PubMed 22968129 (cited by Victorian Clinical Genetics Services, Murdoch Childrens Research Institute); PubMed 31389005 (cited by Victorian Clinical Genetics Services, Murdoch Childrens Research Institute); PubMed 31944481 (cited by Victorian Clinical Genetics Services, Murdoch Childrens Research Institute).

NM_002474.3(MYH11):c.3035C>T (p.Thr1012Met)

Gene: MYH11 (myosin heavy chain 11; minus strand). Cytogenetic location: 16p13.11.
Variant type: single nucleotide variant.
Coding change: c.3035C>T on transcript NM_002474.3 (MANE Select); coding-DNA position 3035, C replaced by T.
Protein change: p.Thr1012Met; replaces threonine 1012 with methionine.
Molecular consequence: missense variant.
Genome position (GRCh38, 1-based): chr16:15,738,651, G>A on the plus strand (C>T on the coding strand, the complement: MYH11 is on the minus strand). VCF-style: chr16-15738651-G-A. GRCh37 (hg19) VCF-style: chr16-15832508-G-A.
Other names: c.3056C>T, p.Thr1019Met (NM_001040113.2, NM_001040114.2); c.3035C>T, p.Thr1012Met (NM_022844.3); c.3035C>T (NM_002474.2); short protein forms T1012M, T1019M.
Identifiers: ClinVar variation 654463 (VCV000654463.25), dbSNP rs373881911, ClinGen allele CA7922104.